The following is an entry in ClinVar:

ClinVar aggregate classification (germline): Likely benign (1 of 4 stars; one submission).

Conditions:
Maple syrup urine disease (MSUD). Identifiers: Orphanet 511, MedGen C0024776, MeSH D008375, MONDO:0009563. Disease mechanism: loss of function.

Allele frequency attached by ClinVar (database versions not stated): gnomAD 0.01209 and 0.01296; TOPMed 0.01363; 1000 Genomes Project 30x 0.01515; 1000 Genomes Project 0.01538.

Submission:

Illumina Laboratory Services, Illumina
Classification: Likely benign for Maple syrup urine disease type 1A. Last evaluated: 2017-04-27. Review status: criteria provided, single submitter. Criteria: ICSL Variant Classification Criteria 13 December 2019. Collection method: clinical testing. Allele origin: germline.
Comment: This variant was observed as part of a predisposition screen in an ostensibly healthy population. A literature search was performed for the gene, cDNA change, and amino acid change (where applicable). No publications were found based on this search. Allele frequency data from public databases allowed determination this variant is unlikely to cause disease. Therefore, this variant is classified as likely benign.

NM_001918.5(DBT):c.*8607G>A

Gene: DBT (dihydrolipoamide branched chain transacylase E2; minus strand). Cytogenetic location: 1p21.2.
Variant type: single nucleotide variant.
Coding change: c.*8607G>A on transcript NM_001918.5 (MANE Select); 8607 bases downstream of the stop codon, G replaced by A.
Molecular consequence: 3 prime UTR variant.
Genome position (GRCh38, 1-based): chr1:100,187,648, C>T on the plus strand (G>A on the coding strand, the complement: DBT is on the minus strand). VCF-style: chr1-100187648-C-T. GRCh37 (hg19) VCF-style: chr1-100653204-C-T.
Identifiers: ClinVar variation 291382 (VCV000291382.5), dbSNP rs150241889, ClinGen allele CA10607106.